The following is an entry in ClinVar:

NM_006648.4(WNK2):c.4673C>T (p.Thr1558Ile)

Gene: WNK2 (WNK lysine deficient protein kinase 2; plus strand). Cytogenetic location: 9q22.31.
Variant type: single nucleotide variant.
Coding change: c.4673C>T on transcript NM_006648.4 (MANE Select); coding-DNA position 4673, C replaced by T.
Protein change: p.Thr1558Ile; replaces threonine 1558 with isoleucine.
Molecular consequence: missense variant.
Genome position (GRCh38, 1-based): chr9:93,289,427, C>T. VCF-style: chr9-93289427-C-T. GRCh37 (hg19) VCF-style: chr9-96051709-C-T.
Other names: c.4784C>T, p.Thr1595Ile (NM_001282394.3); short protein forms T1595I, T1558I.
Identifiers: ClinVar variation 4201676 (VCV004201676.1).

ClinVar aggregate classification (germline): Uncertain significance (1 of 4 stars; one submission).

Submission:

Ambry Genetics
Classification: Uncertain significance. Last evaluated: 2025-07-28. Review status: criteria provided, single submitter. Criteria: Ambry Variant Classification Scheme 2023. Collection method: clinical testing. Allele origin: germline.
Comment: The p.T1558I variant (also known as c.4673C>T), located in coding exon 19 of the WNK2 gene, results from a C to T substitution at nucleotide position 4673. The threonine at codon 1558 is replaced by isoleucine, an amino acid with similar properties. This amino acid position is conserved. In addition, this alteration is predicted to be tolerated by in silico analysis. Based on the available evidence, the clinical significance of this variant remains unclear.